The following is an entry in ClinVar:

NM_015629.4(PRPF31):c.511G>A (p.Ala171Thr)

Gene: PRPF31 (pre-mRNA processing factor 31; plus strand). Cytogenetic location: 19q13.42.
Variant type: single nucleotide variant.
Coding change: c.511G>A on transcript NM_015629.4 (MANE Select); coding-DNA position 511, G replaced by A.
Protein change: p.Ala171Thr; replaces alanine 171 with threonine.
Molecular consequence: missense variant.
Genome position (GRCh38, 1-based): chr19:54,123,544, G>A. VCF-style: chr19-54123544-G-A. GRCh37 (hg19) VCF-style: chr19-54626923-G-A.
Other names: short protein forms A171T.
Identifiers: ClinVar variation 1466775 (VCV001466775.7), dbSNP rs1246773978, ClinGen allele CA407750380.

ClinVar aggregate classification (germline): Uncertain significance. Review status: criteria provided, multiple submitters, no conflicts (2 of 4 stars). 2 submissions from 2 submitters: Uncertain significance (2). Last evaluated 2021-10-07.

Allele frequency attached by ClinVar (database versions not stated): gnomAD exomes below 0.00001; TOPMed below 0.00001.

Submissions (2):

Labcorp Genetics (formerly Invitae), Labcorp
Classification: Uncertain significance. Last evaluated: 2021-10-07. Review status: criteria provided, single submitter. Criteria: Invitae Variant Classification Sherloc (09022015). Collection method: clinical testing. Allele origin: germline.
Comment: In summary, the available evidence is currently insufficient to determine the role of this variant in disease. Therefore, it has been classified as a Variant of Uncertain Significance. Algorithms developed to predict the effect of missense changes on protein structure and function are either unavailable or do not agree on the potential impact of this missense change (SIFT: "Tolerated"; PolyPhen-2: "Probably Damaging"; Align-GVGD: "Class C0"). This variant has not been reported in the literature in individuals affected with PRPF31-related conditions. This variant is not present in population databases (ExAC no frequency). This sequence change replaces alanine with threonine at codon 171 of the PRPF31 protein (p.Ala171Thr). The alanine residue is highly conserved and there is a small physicochemical difference between alanine and threonine.

Blueprint Genetics
Classification: Uncertain significance. Last evaluated: 2021-06-04. Review status: criteria provided, single submitter. Criteria: ACMG Guidelines, 2015. Collection method: clinical testing. Allele origin: germline.